The following is an entry in ClinVar:

NM_000215.4(JAK3):c.350G>A (p.Arg117His)

Gene: JAK3 (Janus kinase 3; minus strand). Cytogenetic location: 19p13.11.
Variant type: single nucleotide variant.
Coding change: c.350G>A on transcript NM_000215.4 (MANE Select); coding-DNA position 350, G replaced by A.
Protein change: p.Arg117His; replaces arginine 117 with histidine.
Molecular consequence: missense variant.
Genome position (GRCh38, 1-based): chr19:17,843,450, C>T on the plus strand (G>A on the coding strand, the complement: JAK3 is on the minus strand). VCF-style: chr19-17843450-C-T. GRCh37 (hg19) VCF-style: chr19-17954259-C-T.
Other names: short protein forms R117H.
Identifiers: ClinVar variation 964788 (VCV000964788.9), dbSNP rs2094244927, ClinGen allele CA404773721.

ClinVar aggregate classification (germline): Uncertain significance (1 of 4 stars; one submission).

Conditions:
T-B+ severe combined immunodeficiency due to JAK3 deficiency. Also called: SCID, autosomal recessive, T-negative/B-positive type; SCID, T CELL-NEGATIVE, B CELL-POSITIVE, NK CELL-NEGATIVE. Identifiers: Orphanet 35078, MedGen C1833275, MONDO:0010938, OMIM 600802.

Submission:

Labcorp Genetics (formerly Invitae), Labcorp
Classification: Uncertain significance for T-B+ severe combined immunodeficiency due to JAK3 deficiency. Last evaluated: 2023-08-04. Review status: criteria provided, single submitter. Criteria: Invitae Variant Classification Sherloc (09022015). Collection method: clinical testing. Allele origin: germline.
Comment: This missense change has been observed in individual(s) with clinical features of severe combined immunodeficiency (Invitae). In at least one individual the data is consistent with being in trans (on the opposite chromosome) from a pathogenic variant. ClinVar contains an entry for this variant (Variation ID: 964788). Advanced modeling of protein sequence and biophysical properties (such as structural, functional, and spatial information, amino acid conservation, physicochemical variation, residue mobility, and thermodynamic stability) performed at Invitae indicates that this missense variant is expected to disrupt JAK3 protein function. This variant disrupts the p.Arg117 amino acid residue in JAK3. Other variant(s) that disrupt this residue have been observed in individuals with JAK3-related conditions (PMID: 32215810), which suggests that this may be a clinically significant amino acid residue. In summary, the available evidence is currently insufficient to determine the role of this variant in disease. Therefore, it has been classified as a Variant of Uncertain Significance. This variant is not present in population databases (gnomAD no frequency). This sequence change replaces arginine, which is basic and polar, with histidine, which is basic and polar, at codon 117 of the JAK3 protein (p.Arg117His).

Literature cited by the submitters: PubMed 32215810.